The following is an entry in ClinVar:

NM_000256.3(MYBPC3):c.3707dup (p.Leu1236fs)

Gene: MYBPC3 (myosin binding protein C3; minus strand). Cytogenetic location: 11p11.2.
Variant type: Duplication.
Coding change: c.3707dup on transcript NM_000256.3 (MANE Select); coding-DNA position 3707, one base duplicated (T; older notation c.3707dupT).
Protein change: p.Leu1236fs; shifts the reading frame from leucine 1236.
Molecular consequence: frameshift variant.
Genome position (GRCh38, 1-based): chr11:47,332,179, A duplicated on the plus strand (T on the coding strand, the reverse complement: MYBPC3 is on the minus strand); the first of 2 consecutive A bases (chr11:47,332,179-47,332,180); duplicating either gives the same sequence. VCF-style (leftmost placement, unchanged base first): chr11-47332178-C-CA. GRCh37 (hg19) VCF-style: chr11-47353729-C-CA.
Other names: p.Leu1236Phefs*6; short protein forms L1236fs.
Identifiers: ClinVar variation 4541618 (VCV004541618.2).

ClinVar aggregate classification (germline): Pathogenic/Likely pathogenic. Review status: criteria provided, multiple submitters, no conflicts (2 of 4 stars). 2 submissions from 2 submitters: Pathogenic (1); Likely pathogenic (1). Last evaluated 2026-01-09.

Conditions:
Hypertrophic cardiomyopathy. Also called: HYPERTROPHIC MYOCARDIOPATHY. Identifiers: Orphanet 217569, MedGen C0007194, MeSH D002312, MONDO:0005045, HP:0001639.

Submissions (2):

Labcorp Genetics (formerly Invitae), Labcorp
Classification: Pathogenic for Hypertrophic cardiomyopathy. Last evaluated: 2026-01-09. Review status: criteria provided, single submitter. Criteria: Invitae Variant Classification Sherloc (09022015). Collection method: clinical testing. Allele origin: germline.
Comment: This sequence change creates a premature translational stop signal (p.Leu1236Phefs*6) in the MYBPC3 gene. It is expected to result in an absent or disrupted protein product. Loss-of-function variants in MYBPC3 are known to be pathogenic (PMID: 19574547). This variant is not present in population databases (gnomAD no frequency). This variant has not been reported in the literature in individuals affected with MYBPC3-related conditions. For these reasons, this variant has been classified as Pathogenic.

Mayo Clinic Laboratories, Mayo Clinic
Classification: Likely pathogenic. Last evaluated: 2025-10-23. Review status: criteria provided, single submitter. Criteria: ACMG Guidelines, 2015. Collection method: clinical testing. Allele origin: germline. Observed: 1 variant allele.
Comment: PM2_supporting, PVS1

Literature cited by the submitters: PubMed 19574547 (cited by Labcorp Genetics (formerly Invitae), Labcorp); PubMed 32841044 (cited by Mayo Clinic Laboratories, Mayo Clinic).